The following is an entry in ClinVar:

NM_016580.4(PCDH12):c.3528CAG[11] (p.Ser1181_Arg1182insSerSerSerSerSer)

Gene: PCDH12 (protocadherin 12; minus strand). Cytogenetic location: 5q31.3.
Variant type: Microsatellite.
Coding change: c.3528CAG[11] on transcript NM_016580.4 (MANE Select); 11 copies in a row of the 3-base unit CAG starting at c.3528; the reference has six copies in a row; five copies, 15 bases duplicated.
Protein change: p.Ser1181_Arg1182insSerSerSerSerSer.
Molecular consequence: inframe insertion.
Genome position (GRCh38, 1-based): chr5:141,945,391-141,945,405, CTGCTGCTGCTGCTG duplicated on the plus strand (CAGCAGCAGCAGCAG on the coding strand, the reverse complement: PCDH12 is on the minus strand); duplicating any 15 consecutive bases within chr5:141,945,391-141,945,409 gives the same sequence; the position shown is the placement nearest the transcript's 3' end. VCF-style (leftmost placement, unchanged base first): chr5-141945390-C-CCTGCTGCTGCTGCTG. GRCh37 (hg19) VCF-style: chr5-141324955-C-CCTGCTGCTGCTGCTG.
Identifiers: ClinVar variation 2184853 (VCV002184853.1), dbSNP rs5871792, ClinGen allele CA563503588.

ClinVar aggregate classification (germline): Uncertain significance (1 of 4 stars; one submission).

Submission:

Labcorp Genetics (formerly Invitae), Labcorp
Classification: Uncertain significance. Last evaluated: 2022-06-07. Review status: criteria provided, single submitter. Criteria: Invitae Variant Classification Sherloc (09022015). Collection method: clinical testing. Allele origin: germline.
Comment: This variant, c.3531_3545dup, results in the insertion of 5 amino acid(s) of the PCDH12 protein (p.Ser1177_Ser1181dup), but otherwise preserves the integrity of the reading frame. This variant is present in population databases (no rsID available, gnomAD 0.01%). This variant has not been reported in the literature in individuals affected with PCDH12-related conditions. Algorithms developed to predict the effect of sequence changes on RNA splicing suggest that this variant may create or strengthen a splice site. In summary, the available evidence is currently insufficient to determine the role of this variant in disease. Therefore, it has been classified as a Variant of Uncertain Significance.